The following is an entry in ClinVar:

NM_003738.5(PTCH2):c.72+1G>A

Gene: PTCH2 (patched 2; minus strand). Cytogenetic location: 1p34.1.
Variant type: single nucleotide variant.
Coding change: c.72+1G>A on transcript NM_003738.5 (MANE Select); the canonical splice donor site of the intron after coding-DNA position 72, G replaced by A.
Molecular consequence: splice donor variant.
Genome position (GRCh38, 1-based): chr1:44,842,860, C>T on the plus strand (G>A on the coding strand, the complement: PTCH2 is on the minus strand). VCF-style: chr1-44842860-C-T. GRCh37 (hg19) VCF-style: chr1-45308532-C-T.
Other names: c.72+1G>A (NM_001166292.2).
Identifiers: ClinVar variation 4881791 (VCV004881791.2).
Genomic context (GRCh38, chr1:44,842,860, plus strand): 5'-GAGGCCCGAGTGACAGACCTGGCTCCGCTCTCTTCCTTCTTCCAGCTCCCCCTCTACTCA[C>T]CTGGGGTGCTGCGGTTCGAGCTGGGGGTGTGTAACTCGGGGGCAGCTCTCTGAGGGGCGG-3'

ClinVar aggregate classification (germline): Uncertain significance (1 of 4 stars; one submission).

Submission:

Dasa
Classification: Uncertain significance. Last evaluated: 2025-07-21. Review status: criteria provided, single submitter. Criteria: DASA Assertion Criteria. Collection method: clinical testing. Allele origin: germline.
Comment: NM_003738.5(PTCH2):c.72+1G>A affects a canonical splice site and is predicted to disrupt normal RNA splicing. This variant is absent from population databases. The currently available literature and clinical evidence are not sufficient to establish a definitive association between this variant and the reported condition. Therefore, this variant is classified as a variant of uncertain significance.